The following is an entry in ClinVar:

ClinVar aggregate classification (germline): Uncertain significance (1 of 4 stars; one submission).

Submission:

GeneDx
Classification: Uncertain significance. Last evaluated: 2024-04-06. Review status: criteria provided, single submitter. Criteria: GeneDx Variant Classification Process June 2021. Collection method: clinical testing. Allele origin: germline. Affected: yes.
Comment: Not observed at significant frequency in large population cohorts (gnomAD); In silico analysis indicates that this missense variant does not alter protein structure/function; Has not been previously published as pathogenic or benign to our knowledge

NM_001379029.1(CERT1):c.617A>T (p.Asp206Val)

Gene: CERT1 (ceramide transporter 1; minus strand). Cytogenetic location: 5q13.3.
Variant type: single nucleotide variant.
Coding change: c.617A>T on transcript NM_001379029.1 (MANE Select); coding-DNA position 617, A replaced by T.
Protein change: p.Asp206Val; replaces aspartic acid 206 with valine.
Molecular consequence: missense variant.
Genome position (GRCh38, 1-based): chr5:75,419,403, T>A on the plus strand (A>T on the coding strand, the complement: CERT1 is on the minus strand). VCF-style: chr5-75419403-T-A. GRCh37 (hg19) VCF-style: chr5-74715228-T-A.
Other names: c.1001A>T, p.Asp334Val (NM_001130105.1); c.617A>T, p.Asp206Val (NM_001379002.1, NM_001379003.1, NM_001379004.1 and 2 more transcripts); short protein forms D206V, D334V.
Identifiers: ClinVar variation 3371372 (VCV003371372.1).
Genomic context (GRCh38, chr5:75,419,403, plus strand): 5'-TTTTCTTTATTGCCGTTGGTACTATGCAAGAAGTCACCATCAGAACGCGTTGTAGGAAAG[T>A]CATCTTCATCATCTTCTACCACTAAATAAAATATATTTAAGGAAATTAGGATGAAAAGAA-3'
Protein context (NP_001365958.1, residues 196-216): RDKVVEDDED[Asp206Val]FPTTRSDGDF